The following is an entry in ClinVar:

ClinVar aggregate classification (germline): Uncertain significance (1 of 4 stars; one submission).

Submission:

GeneDx
Classification: Uncertain significance. Last evaluated: 2024-08-17. Review status: criteria provided, single submitter. Criteria: GeneDx Variant Classification Process June 2021. Collection method: clinical testing. Allele origin: germline. Affected: yes.
Comment: Not observed at significant frequency in large population cohorts (gnomAD); In silico analysis supports that this missense variant has a deleterious effect on protein structure/function; Has not been previously published as pathogenic or benign to our knowledge

NM_007118.4(TRIO):c.4270A>G (p.Lys1424Glu)

Gene: TRIO (trio Rho guanine nucleotide exchange factor; plus strand). Cytogenetic location: 5p15.2.
Variant type: single nucleotide variant.
Coding change: c.4270A>G on transcript NM_007118.4 (MANE Select); coding-DNA position 4270, A replaced by G.
Protein change: p.Lys1424Glu; replaces lysine 1424 with glutamic acid.
Molecular consequence: missense variant. On other transcripts: non-coding transcript variant (1).
Genome position (GRCh38, 1-based): chr5:14,394,089, A>G. VCF-style: chr5-14394089-A-G. GRCh37 (hg19) VCF-style: chr5-14394198-A-G.
Other names: short protein forms K1424E.
Identifiers: ClinVar variation 3764318 (VCV003764318.1).
Genomic context (GRCh38, chr5:14,394,089, plus strand): 5'-TTAATACAGGAGATACAGCAGCGACATGGATTAGCCAATTCCATTTCTTCCTACCTTATT[A>G]AACCAGTTCAGCGAATAACGAAGTATCAGCTCCTTTTAAAAGTATGTATAATGCGTCTTC-3'
Protein context (NP_009049.2, residues 1414-1434): LANSISSYLI[Lys1424Glu]PVQRITKYQL